The following is an entry in ClinVar:

NM_001032382.2(PQBP1):c.482G>A (p.Arg161Gln)

Gene: PQBP1 (polyglutamine binding protein 1; plus strand). Cytogenetic location: Xp11.23.
Variant type: single nucleotide variant.
Coding change: c.482G>A on transcript NM_001032382.2 (MANE Select); coding-DNA position 482, G replaced by A.
Protein change: p.Arg161Gln; replaces arginine 161 with glutamine.
Molecular consequence: missense variant. On other transcripts: intron variant (2).
Genome position (GRCh38, 1-based): chrX:48,902,422, G>A. VCF-style: chrX-48902422-G-A. GRCh37 (hg19) VCF-style: chrX-48759699-G-A.
Other names: c.482G>A, p.Arg161Gln (NM_001032381.2, NM_001032383.2, NM_001032384.1 and 2 more transcripts); c.458G>A, p.Arg153Gln (NM_001167990.2); c.293-310G>A (NM_144495.3); c.202-20G>A (NM_001167992.1); short protein forms R161Q, R153Q.
Identifiers: ClinVar variation 3309615 (VCV003309615.3).

ClinVar aggregate classification (germline): Uncertain significance. Review status: criteria provided, multiple submitters, no conflicts (2 of 4 stars). 2 submissions from 2 submitters: Uncertain significance (2). Last evaluated 2026-08-15.

Conditions:
Inborn genetic diseases. Identifiers: MedGen C0950123, MeSH D030342.

gnomAD v4.1: 10 of 1,208,614 alleles (0.00083%); highest among the groups gnomAD compares: Non-Finnish European, 0.0011%; no homozygotes.

Submissions (2):

GeneDx
Classification: Uncertain significance. Last evaluated: 2026-08-15. Review status: criteria provided, single submitter. Criteria: GeneDx Variant Classification Process June 2021. Collection method: clinical testing. Allele origin: germline.
Comment: Not observed at significant frequency in large population cohorts (gnomAD); In silico analysis suggests that this missense variant does not alter protein structure/function; Has not been previously published as pathogenic or benign to our knowledge

Ambry Genetics
Classification: Uncertain significance for Inborn genetic diseases. Last evaluated: 2024-05-24. Review status: criteria provided, single submitter. Criteria: Ambry Variant Classification Scheme 2023. Collection method: clinical testing. Allele origin: germline.